The following is an entry in ClinVar:

NM_000179.3(MSH6):c.184C>T (p.Arg62Cys)

Gene: MSH6 (mutS homolog 6; plus strand). Cytogenetic location: 2p16.3.
Variant type: single nucleotide variant.
Coding change: c.184C>T on transcript NM_000179.3 (MANE Select); coding-DNA position 184, C replaced by T.
Protein change: p.Arg62Cys; replaces arginine 62 with cysteine.
Molecular consequence: missense variant. On other transcripts: 5 prime UTR variant (1).
Genome position (GRCh38, 1-based): chr2:47,783,417, C>T. VCF-style: chr2-47783417-C-T. GRCh37 (hg19) VCF-style: chr2-48010556-C-T.
Other names: c.184C>T, p.Arg62Cys (NM_001281492.2); c.-553C>T (NM_001281493.2); short protein forms R62C.
Identifiers: ClinVar variation 439201 (VCV000439201.24), dbSNP rs876659508, ClinGen allele CA46688293.

ClinVar aggregate classification (germline): Uncertain significance. Review status: criteria provided, multiple submitters, no conflicts (2 of 4 stars). 9 submissions from 9 submitters: Uncertain significance (9). Last evaluated 2025-06-16.

Conditions:
Endometrial carcinoma. Also called: Endometrial carcinoma, somatic. Identifiers: MedGen C0476089, MONDO:0002447, OMIM 608089, HP:0012114.
Hereditary cancer-predisposing syndrome. Also called: Hereditary neoplastic syndrome; Hereditary Cancer Syndrome; Tumor predisposition; Neoplastic Syndromes, Hereditary. Identifiers: Orphanet 140162, MedGen C0027672, MeSH D009386, MONDO:0015356.
Hereditary nonpolyposis colorectal neoplasms. Identifiers: MedGen C0009405, MeSH D003123.
Lynch syndrome 5 (LYNCH5). Also called: Colorectal cancer, hereditary nonpolyposis, type 5; Hereditary non-polyposis colorectal cancer, type 5. Identifiers: Orphanet 144, MedGen C1833477, MONDO:0013710, OMIM 614350. Disease mechanism: loss of function.
Mismatch repair cancer syndrome 1 (MMRCS1). Also called: MISMATCH REPAIR DEFICIENCY; MMR DEFICIENCY; BRAIN TUMOR-POLYPOSIS SYNDROME 1; BTP1 SYNDROME; CHILDHOOD CANCER SYNDROME. Identifiers: Orphanet 252202, MedGen C5399763, MONDO:0010159, OMIM 276300. Disease mechanism: loss of function.
Lynch syndrome. Identifiers: Orphanet 144, MedGen C4552100, MONDO:0005835. Disease mechanism: loss of function.

gnomAD v4.1: 2 of 1,516,972 alleles (0.00013%); highest among the groups gnomAD compares: Non-Finnish European, 0.00018%; no homozygotes.

Submissions (9):

Ambry Genetics
Classification: Uncertain significance for Hereditary cancer-predisposing syndrome. Last evaluated: 2025-06-16. Review status: criteria provided, single submitter. Criteria: Ambry Variant Classification Scheme 2023. Collection method: clinical testing. Allele origin: germline.
Comment: The p.R62C variant (also known as c.184C>T), located in coding exon 1 of the MSH6 gene, results from a C to T substitution at nucleotide position 184. The arginine at codon 62 is replaced by cysteine, an amino acid with highly dissimilar properties. This amino acid position is poorly conserved in available vertebrate species. In addition, this alteration is predicted to be tolerated by in silico analysis. Since supporting evidence is limited at this time, the clinical significance of this alteration remains unclear.

Labcorp Genetics (formerly Invitae), Labcorp
Classification: Uncertain significance for Hereditary nonpolyposis colorectal neoplasms. Last evaluated: 2025-03-25. Review status: criteria provided, single submitter. Criteria: Invitae Variant Classification Sherloc (09022015). Collection method: clinical testing. Allele origin: germline.
Comment: This sequence change replaces arginine, which is basic and polar, with cysteine, which is neutral and slightly polar, at codon 62 of the MSH6 protein (p.Arg62Cys). This variant is not present in population databases (gnomAD no frequency). This variant has not been reported in the literature in individuals affected with MSH6-related conditions. ClinVar contains an entry for this variant (Variation ID: 439201). Invitae Evidence Modeling of protein sequence and biophysical properties (such as structural, functional, and spatial information, amino acid conservation, physicochemical variation, residue mobility, and thermodynamic stability) indicates that this missense variant is not expected to disrupt MSH6 protein function with a negative predictive value of 95%. In summary, the available evidence is currently insufficient to determine the role of this variant in disease. Therefore, it has been classified as a Variant of Uncertain Significance.

Color Diagnostics, LLC DBA Color Health
Classification: Uncertain significance for Hereditary cancer-predisposing syndrome. Last evaluated: 2023-11-20. Review status: criteria provided, single submitter. Criteria: ACMG Guidelines, 2015. Collection method: clinical testing. Allele origin: germline.
Comment: This missense variant replaces arginine with cysteine at codon 62 of the MSH6 protein. Computational prediction suggests that this variant may not impact protein structure and function (internally defined REVEL score threshold <= 0.5, PMID: 27666373). To our knowledge, functional studies have not been reported for this variant. This variant has not been reported in individuals affected with MSH6-related disorders in the literature. This variant has not been identified in the general population by the Genome Aggregation Database (gnomAD). The available evidence is insufficient to determine the role of this variant in disease conclusively. Therefore, this variant is classified as a Variant of Uncertain Significance.

Baylor Genetics
Classification: Uncertain significance for Endometrial carcinoma. Last evaluated: 2023-10-14. Review status: criteria provided, single submitter. Criteria: ACMG Guidelines, 2015. Collection method: clinical testing. Allele origin: unknown.

Laboratorio de Genetica e Diagnostico Molecular, Hospital Israelita Albert Einstein
Classification: Uncertain significance for Endometrial carcinoma. Last evaluated: 2022-06-13. Review status: criteria provided, single submitter. Criteria: ACMG Guidelines, 2015. Collection method: clinical testing. Allele origin: germline. Affected: yes. Observed: 1 variant allele.
Comment: ACMG classification criteria: PM2 moderated, BP4 supporting

Mendelics
Classification: Uncertain significance. Last evaluated: 2022-05-04. Review status: criteria provided, single submitter. Criteria: Mendelics Assertion Criteria 2019. Collection method: clinical testing. Allele origin: germline.

Department of Pathology and Laboratory Medicine, Sinai Health System
Classification: Uncertain significance for Lynch syndrome. Last evaluated: 2021-10-04. Review status: criteria provided, single submitter. Criteria: ACMG Guidelines, 2015. Collection method: clinical testing. Allele origin: germline. Affected: yes.

Fulgent Genetics
Classification: Uncertain significance for Mismatch repair cancer syndrome 1; Endometrial carcinoma; Lynch syndrome 5. Last evaluated: 2018-10-31. Review status: criteria provided, single submitter. Criteria: ACMG Guidelines, 2015. Collection method: clinical testing. Allele origin: unknown.

Quest Diagnostics Nichols Institute San Juan Capistrano
Classification: Uncertain significance. Last evaluated: 2016-08-25. Review status: criteria provided, single submitter. Criteria: Quest Diagnostics criteria. Collection method: clinical testing. Allele origin: germline.